The following is an entry in ClinVar:

NM_018941.4(CLN8):c.35G>C (p.Ser12Thr)

Gene: CLN8 (CLN8 transmembrane ER and ERGIC protein; plus strand). Cytogenetic location: 8p23.3.
Variant type: single nucleotide variant.
Coding change: c.35G>C on transcript NM_018941.4 (MANE Select); coding-DNA position 35, G replaced by C.
Protein change: p.Ser12Thr; replaces serine 12 with threonine.
Molecular consequence: missense variant.
Genome position (GRCh38, 1-based): chr8:1,771,089, G>C. VCF-style: chr8-1771089-G-C. GRCh37 (hg19) VCF-style: chr8-1719255-G-C.
Other names: short protein forms S12T.
Identifiers: ClinVar variation 1014772 (VCV001014772.2), dbSNP rs1775036577, ClinGen allele CA369952749.
Genomic context (GRCh38, chr8:1,771,089, plus strand): 5'-ACTCCTTTGGAATATAGCTGTGGACAATGAATCCTGCGAGCGATGGGGGCACATCAGAGA[G>C]CATTTTTGACCTGGACTATGCATCCTGGGGGATCCGCTCCACGCTGATGGTCGCTGGCTT-3'
Protein context (NP_061764.2, residues 2-22): NPASDGGTSE[Ser12Thr]IFDLDYASWG

ClinVar aggregate classification (germline): Uncertain significance (1 of 4 stars; one submission).

Conditions:
Neuronal ceroid lipofuscinosis. Also called: Neuronal Ceroid Lipofuscinoses. Identifiers: Orphanet 216, Orphanet 79263, MedGen C0027877, MONDO:0016295. Disease mechanism: loss of function.

Allele frequency attached by ClinVar (database versions not stated): TOPMed below 0.00001.

Submission:

Labcorp Genetics (formerly Invitae), Labcorp
Classification: Uncertain significance for Neuronal ceroid lipofuscinosis. Last evaluated: 2022-02-04. Review status: criteria provided, single submitter. Criteria: Invitae Variant Classification Sherloc (09022015). Collection method: clinical testing. Allele origin: germline.
Comment: This sequence change replaces serine, which is neutral and polar, with threonine, which is neutral and polar, at codon 12 of the CLN8 protein (p.Ser12Thr). This variant is not present in population databases (gnomAD no frequency). This variant has not been reported in the literature in individuals affected with CLN8-related conditions. ClinVar contains an entry for this variant (Variation ID: 1014772). Advanced modeling of protein sequence and biophysical properties (such as structural, functional, and spatial information, amino acid conservation, physicochemical variation, residue mobility, and thermodynamic stability) performed at Invitae indicates that this missense variant is not expected to disrupt CLN8 protein function. In summary, the available evidence is currently insufficient to determine the role of this variant in disease. Therefore, it has been classified as a Variant of Uncertain Significance.